The following is an entry in ClinVar:

NM_004213.5(SLC28A1):c.1874+7dup

Gene: SLC28A1 (solute carrier family 28 member 1; plus strand). Cytogenetic location: 15q25.3.
Variant type: Duplication.
Coding change: c.1874+7dup on transcript NM_004213.5 (MANE Select); 7 bases into the intron after coding-DNA position 1874, one base duplicated (G; older notation c.1874+7dupG).
Molecular consequence: intron variant.
Genome position (GRCh38, 1-based): chr15:84,944,874, G duplicated; the last of 3 consecutive G bases (chr15:84,944,872-84,944,874); duplicating any one gives the same sequence. VCF-style (leftmost placement, unchanged base first): chr15-84944871-A-AG. GRCh37 (hg19) VCF-style: chr15-85488102-A-AG.
Other names: c.1874+7dup (NM_001321722.2, NM_001287762.2); c.1581+9356dup (NM_001321721.2); c.1376+7dup (NM_001287761.2).
Identifiers: ClinVar variation 3056019 (VCV003056019.2), dbSNP rs376858510, ClinGen allele CA7710999.
Genomic context (GRCh38, chr15:84,944,871, plus strand): 5'-GACCCTCAGCAGCAGTAGCTTTGAGATTTACCAGTGCTGCCGTGAGGCCTTCCAGAGGTG[A>AG]GGGCCTGGGCTGTGGGACCTGCAGGGCACCCACAGTGATAGACAGAATGCCTGAGCGCTG-3'

ClinVar aggregate classification (germline): Benign (0 of 4 stars; one submission).

Conditions:
SLC28A1-related disorder. Also called: SLC28A1-related condition.

Submission:

PreventionGenetics, part of Exact Sciences
Classification: Benign for SLC28A1-related condition. Last evaluated: 2019-11-16. Review status: no assertion criteria provided. Collection method: clinical testing. Allele origin: germline.
Comment: This variant is classified as benign based on ACMG/AMP sequence variant interpretation guidelines (Richards et al. 2015 PMID: 25741868, with internal and published modifications).